The following is an entry in ClinVar:

NM_030962.4(SBF2):c.3956T>G (p.Phe1319Cys)

Gene: SBF2 (SET binding factor 2; minus strand). Cytogenetic location: 11p15.4.
Variant type: single nucleotide variant.
Coding change: c.3956T>G on transcript NM_030962.4 (MANE Select); coding-DNA position 3956, T replaced by G.
Protein change: p.Phe1319Cys; replaces phenylalanine 1319 with cysteine.
Molecular consequence: missense variant.
Genome position (GRCh38, 1-based): chr11:9,816,862, A>C on the plus strand (T>G on the coding strand, the complement: SBF2 is on the minus strand). VCF-style: chr11-9816862-A-C. GRCh37 (hg19) VCF-style: chr11-9838409-A-C.
Other names: c.4052T>G, p.Phe1351Cys (NM_001386339.1); c.3827T>G, p.Phe1276Cys (NM_001386342.1); short protein forms F1351C, F1276C, F1319C.
Identifiers: ClinVar variation 1409517 (VCV001409517.8), dbSNP rs2133911307, ClinGen allele CA379644276.

ClinVar aggregate classification (germline): Uncertain significance (1 of 4 stars; one submission).

Conditions:
Charcot-Marie-Tooth disease type 4. Also called: Charcot-Marie-Tooth, Type 4; Charcot-Marie-Tooth disease, type IV. Identifiers: Orphanet 64749, MedGen C4082197, MONDO:0018995.

gnomAD v4.1: 2 of 1,614,160 alleles (0.00012%); no homozygotes.

Submission:

Labcorp Genetics (formerly Invitae), Labcorp
Classification: Uncertain significance for Charcot-Marie-Tooth disease type 4. Last evaluated: 2022-08-10. Review status: criteria provided, single submitter. Criteria: Invitae Variant Classification Sherloc (09022015). Collection method: clinical testing. Allele origin: germline.
Comment: This variant has not been reported in the literature in individuals affected with SBF2-related conditions. ClinVar contains an entry for this variant (Variation ID: 1409517). Algorithms developed to predict the effect of missense changes on protein structure and function are either unavailable or do not agree on the potential impact of this missense change (SIFT: "Deleterious"; PolyPhen-2: "Possibly Damaging"; Align-GVGD: "Class C0"). In summary, the available evidence is currently insufficient to determine the role of this variant in disease. Therefore, it has been classified as a Variant of Uncertain Significance. This sequence change replaces phenylalanine, which is neutral and non-polar, with cysteine, which is neutral and slightly polar, at codon 1319 of the SBF2 protein (p.Phe1319Cys). This variant is not present in population databases (gnomAD no frequency).